The following is an entry in ClinVar:

NM_001429.4(EP300):c.1876C>G (p.Arg626Gly)

Gene: EP300 (EP300 lysine acetyltransferase; plus strand). Cytogenetic location: 22q13.2.
Variant type: single nucleotide variant.
Coding change: c.1876C>G on transcript NM_001429.4 (MANE Select); coding-DNA position 1876, C replaced by G.
Protein change: p.Arg626Gly; replaces arginine 626 with glycine.
Molecular consequence: missense variant.
Genome position (GRCh38, 1-based): chr22:41,140,255, C>G. VCF-style: chr22-41140255-C-G. GRCh37 (hg19) VCF-style: chr22-41536259-C-G.
Other names: c.1876C>G, p.Arg626Gly (NM_001362843.2); short protein forms R626G.
Identifiers: ClinVar variation 4991003 (VCV004991003.1).

ClinVar aggregate classification (germline): Uncertain significance (1 of 4 stars; one submission).

Conditions:
EP300-related disorder. Also called: EP300-related condition; EP300-related disorders.

Submission:

PreventionGenetics, part of Exact Sciences
Classification: Uncertain significance for EP300-related condition. Last evaluated: 2026-05-13. Review status: criteria provided, single submitter. Criteria: ACMG Guidelines, 2015. Collection method: clinical testing. Allele origin: germline.
Comment: The EP300 c.1876C>G variant is predicted to result in the amino acid substitution p.Arg626Gly. To our knowledge, this variant has not been reported in the literature or in a large population database (gnomAD), indicating this variant is rare. At this time, the clinical significance of this variant is uncertain due to the absence of conclusive functional and genetic evidence.